The following is an entry in ClinVar:

ClinVar aggregate classification (germline): Likely benign. Review status: criteria provided, multiple submitters, no conflicts (2 of 4 stars). 4 submissions from 4 submitters: Likely benign (3). 1 of the submissions does not count toward it. Last evaluated 2026-01-18.

Conditions:
Inborn genetic diseases. Identifiers: MedGen C0950123, MeSH D030342.
SAMD9L-related disorder. Also called: SAMD9L-related disorders; SAMD9L-related condition.

Allele frequency attached by ClinVar (database versions not stated): gnomAD 0.00007 and 0.00009; TOPMed 0.00009; gnomAD exomes 0.00011; 1000 Genomes Project 30x 0.00062; 1000 Genomes Project 0.00080.
gnomAD v4.1: 167 of 1,613,950 alleles (0.01%); highest among the groups gnomAD compares: African/African-American, 0.012%; no homozygotes.

Submissions (4):

Labcorp Genetics (formerly Invitae), Labcorp
Classification: Likely benign. Last evaluated: 2026-01-18. Review status: criteria provided, single submitter. Criteria: Invitae Variant Classification Sherloc (09022015). Collection method: clinical testing. Allele origin: germline.

Ambry Genetics
Classification: Likely benign for Inborn genetic diseases. Last evaluated: 2024-11-17. Review status: criteria provided, single submitter. Criteria: Ambry Variant Classification Scheme 2023. Collection method: clinical testing. Allele origin: germline.

Blueprint Genetics
Classification: Likely benign. Last evaluated: 2024-09-03. Review status: criteria provided, single submitter. Criteria: ACMG Guidelines, 2015. Collection method: clinical testing. Allele origin: germline.

PreventionGenetics, part of Exact Sciences
Classification: Likely benign for SAMD9L-related condition. Last evaluated: 2021-12-06. Review status: no assertion criteria provided. Collection method: clinical testing. Allele origin: germline. Not counted in ClinVar's aggregate classification.
Comment: This variant is classified as likely benign based on ACMG/AMP sequence variant interpretation guidelines (Richards et al. 2015 PMID: 25741868, with internal and published modifications).

NM_152703.5(SAMD9L):c.285G>A (p.Pro95=)

Gene: SAMD9L (sterile alpha motif domain containing 9 like; minus strand). Cytogenetic location: 7q21.2.
Variant type: single nucleotide variant.
Coding change: c.285G>A on transcript NM_152703.5 (MANE Select); coding-DNA position 285, G replaced by A.
Protein change: p.Pro95=; no amino-acid change (proline 95 retained).
Molecular consequence: synonymous variant.
Genome position (GRCh38, 1-based): chr7:93,135,687, C>T on the plus strand (G>A on the coding strand, the complement: SAMD9L is on the minus strand). VCF-style: chr7-93135687-C-T. GRCh37 (hg19) VCF-style: chr7-92765000-C-T.
Other names: c.285G>A, p.Pro95= (NM_001303496.3, NM_001303497.3, NM_001303498.3 and 5 more transcripts); c.285G>A (NM_152703.3, NM_152703.2).
Identifiers: ClinVar variation 1665275 (VCV001665275.12), dbSNP rs183453750, ClinGen allele CA4343898.